The following is an entry in ClinVar:

NM_001267550.2(TTN):c.95068G>T (p.Val31690Leu)

Genes: TTN (titin; minus strand), TTN-AS1 (TTN antisense RNA 1; plus strand). Cytogenetic location: 2q31.2.
Variant type: single nucleotide variant.
Coding change: c.95068G>T on transcript NM_001267550.2 (MANE Select); coding-DNA position 95068, G replaced by T.
Protein change: p.Val31690Leu; replaces valine 31690 with leucine.
Molecular consequence: missense variant.
Genome position (GRCh38, 1-based): chr2:178,546,263, C>A on the plus strand (G>T on the coding strand, the complement: TTN is on the minus strand). VCF-style: chr2-178546263-C-A. GRCh37 (hg19) VCF-style: chr2-179410990-C-A.
Other names: c.90145G>T, p.Val30049Leu (NM_001256850.1); c.67873G>T, p.Val22625Leu (NM_003319.4); c.87364G>T, p.Val29122Leu (NM_133378.4); c.68248G>T, p.Val22750Leu (NM_133432.3); c.68449G>T, p.Val22817Leu (NM_133437.4); short protein forms V22625L, V22750L, V22817L, V29122L, V30049L, V31690L.
Identifiers: ClinVar variation 4821464 (VCV004821464.4).

ClinVar aggregate classification (germline): Uncertain significance (1 of 4 stars; one submission).

gnomAD v4.1: 1 of 1,613,694 alleles (0.000062%); highest among the groups gnomAD compares: Non-Finnish European, 0.000085%; no homozygotes.

Submission:

CeGaT Center for Human Genetics Tuebingen
Classification: Uncertain significance. Last evaluated: 2026-03-01. Review status: criteria provided, single submitter. Criteria: CeGaT Center For Human Genetics Tuebingen Variant Classification Criteria Version 2. Collection method: clinical testing. Allele origin: germline. Affected: yes. Observed: 2 variant alleles.
Comment: TTN: PM2